The following is an entry in ClinVar:

NM_005219.5(DIAPH1):c.3209A>C (p.Glu1070Ala)

Gene: DIAPH1 (diaphanous related formin 1; minus strand). Cytogenetic location: 5q31.3.
Variant type: single nucleotide variant.
Coding change: c.3209A>C on transcript NM_005219.5 (MANE Select); coding-DNA position 3209, A replaced by C.
Protein change: p.Glu1070Ala; replaces glutamic acid 1070 with alanine.
Molecular consequence: missense variant.
Genome position (GRCh38, 1-based): chr5:141,527,637, T>G on the plus strand (A>C on the coding strand, the complement: DIAPH1 is on the minus strand). VCF-style: chr5-141527637-T-G. GRCh37 (hg19) VCF-style: chr5-140907204-T-G.
Other names: c.3182A>C, p.Glu1061Ala (NM_001079812.3); c.3209A>C, p.Glu1070Ala (NM_001314007.2); short protein forms E1061A, E1070A.
Identifiers: ClinVar variation 1357378 (VCV001357378.6), dbSNP rs760138089, ClinGen allele CA3478840.

ClinVar aggregate classification (germline): Uncertain significance (1 of 4 stars; one submission).

Conditions:
Autosomal dominant nonsyndromic hearing loss 1. Also called: DEAFNESS, AUTOSOMAL DOMINANT 1, WITH OR WITHOUT THROMBOCYTOPENIA; KONIGSMARK SYNDROME. Identifiers: Orphanet 90635, MedGen C1852282, MONDO:0007424, OMIM 124900.
Progressive microcephaly-seizures-cortical blindness-developmental delay syndrome. Also called: Seizures, cortical blindness, and microcephaly syndrome. Identifiers: Orphanet 477814, MedGen C5567650, MONDO:0014714, OMIM 616632.

Allele frequency attached by ClinVar (database versions not stated): TOPMed below 0.00001; gnomAD 0.00001.
gnomAD v4.1: 14 of 1,606,308 alleles (0.00087%); highest among the groups gnomAD compares: African/African-American, 0.0014%; no homozygotes.

Submission:

Labcorp Genetics (formerly Invitae), Labcorp
Classification: Uncertain significance for Progressive microcephaly-seizures-cortical blindness-developmental delay syndrome; Autosomal dominant nonsyndromic hearing loss 1. Last evaluated: 2025-06-24. Review status: criteria provided, single submitter. Criteria: Invitae Variant Classification Sherloc (09022015). Collection method: clinical testing. Allele origin: germline.
Comment: This sequence change replaces glutamic acid, which is acidic and polar, with alanine, which is neutral and non-polar, at codon 1070 of the DIAPH1 protein (p.Glu1070Ala). This variant is present in population databases (rs760138089, gnomAD 0.007%). This variant has not been reported in the literature in individuals affected with DIAPH1-related conditions. ClinVar contains an entry for this variant (Variation ID: 1357378). An algorithm developed to predict the effect of missense changes on protein structure and function (PolyPhen-2) suggests that this variant is likely to be disruptive. In summary, the available evidence is currently insufficient to determine the role of this variant in disease. Therefore, it has been classified as a Variant of Uncertain Significance.